The following is an entry in ClinVar:

NM_000238.4(KCNH2):c.578C>T (p.Ala193Val)

Gene: KCNH2 (potassium voltage-gated channel subfamily H member 2; minus strand). Cytogenetic location: 7q36.1.
Variant type: single nucleotide variant.
Coding change: c.578C>T on transcript NM_000238.4 (MANE Select); coding-DNA position 578, C replaced by T.
Protein change: p.Ala193Val; replaces alanine 193 with valine.
Molecular consequence: missense variant.
Genome position (GRCh38, 1-based): chr7:150,958,397, G>A on the plus strand (C>T on the coding strand, the complement: KCNH2 is on the minus strand). VCF-style: chr7-150958397-G-A. GRCh37 (hg19) VCF-style: chr7-150655485-G-A.
Other names: c.290C>T, p.Ala97Val (NM_001406753.1, NM_001406756.1); c.401C>T, p.Ala134Val (NM_001406755.1); c.278C>T, p.Ala93Val (NM_001406757.1); c.578C>T, p.Ala193Val (NM_172056.3); short protein forms A193V, A93V, A134V, A97V.
Identifiers: ClinVar variation 1304544 (VCV001304544.10), dbSNP rs908821172, ClinGen allele CA169081428.
Genomic context (GRCh38, chr7:150,958,397, plus strand): 5'-TCCAGGGCCAGCGACTCGCTGCTGGGTGCCGCGGGCGTCAGGTCCACGTCCACCACCACG[G>A]CCCCCGGGGCGCCCGCGCCGCCCGCGCCGCCCGACCGCACCGACGACTCCCGGGCCGTCA-3'
Protein context (NP_000229.1, residues 183-203): GGAGGAGAPG[Ala193Val]VVVDVDLTPA

ClinVar aggregate classification (germline): Uncertain significance. Review status: criteria provided, multiple submitters, no conflicts (2 of 4 stars). 4 submissions from 4 submitters: Uncertain significance (4). Last evaluated 2025-10-02.

Conditions:
Cardiovascular phenotype. Identifiers: MedGen CN230736.
Long QT syndrome (LQTS). Identifiers: MedGen C0023976, MeSH D008133, MONDO:0002442. Disease mechanism: loss of function. Inheritance: Various modes of inheritance.

Allele frequency attached by ClinVar (database versions not stated): gnomAD 0.00001; gnomAD exomes 0.00003.
gnomAD v4.1: 7 of 1,454,456 alleles (0.00048%); highest among the groups gnomAD compares: African/African-American, 0.0015%; no homozygotes.

Submissions (4):

Labcorp Genetics (formerly Invitae), Labcorp
Classification: Uncertain significance for Long QT syndrome. Last evaluated: 2025-10-02. Review status: criteria provided, single submitter. Criteria: Invitae Variant Classification Sherloc (09022015). Collection method: clinical testing. Allele origin: germline.
Comment: This sequence change replaces alanine, which is neutral and non-polar, with valine, which is neutral and non-polar, at codon 193 of the KCNH2 protein (p.Ala193Val). The frequency data for this variant in the population databases is considered unreliable, as metrics indicate poor data quality at this position in the gnomAD database. This missense change has been observed in individual(s) with long QT syndrome (PMID: 29622001). ClinVar contains an entry for this variant (Variation ID: 1304544). An algorithm developed to predict the effect of missense changes on protein structure and function (PolyPhen-2) suggests that this variant is likely to be tolerated. Experimental studies have shown that this missense change does not substantially affect KCNH2 function (PMID: 34002542). In summary, the available evidence is currently insufficient to determine the role of this variant in disease. Therefore, it has been classified as a Variant of Uncertain Significance.

Blueprint Genetics
Classification: Uncertain significance. Last evaluated: 2024-06-11. Review status: criteria provided, single submitter. Criteria: ACMG Guidelines, 2015. Collection method: clinical testing. Allele origin: germline.

Ambry Genetics
Classification: Uncertain significance for Cardiovascular phenotype. Last evaluated: 2023-11-02. Review status: criteria provided, single submitter. Criteria: Ambry Variant Classification Scheme 2023. Collection method: clinical testing. Allele origin: germline.
Comment: The p.A193V variant (also known as c.578C>T), located in coding exon 4 of the KCNH2 gene, results from a C to T substitution at nucleotide position 578. The alanine at codon 193 is replaced by valine, an amino acid with similar properties. This alteration has been reported in association with long QT syndrome and epilepsy (Koponen M et al. BMC Med Genet, 2018 Apr;19:56; Li X et al. Ann Hum Genet, 2020 Mar;84:161-168; Soh MS et al. Ann Clin Transl Neurol, 2021 Jul;8:1422-1432). This amino acid position is well conserved in available vertebrate species. In addition, the in silico prediction for this alteration is inconclusive. Since supporting evidence is limited at this time, the clinical significance of this alteration remains unclear.

GeneDx
Classification: Uncertain significance. Last evaluated: 2019-07-17. Review status: criteria provided, single submitter. Criteria: GeneDx Variant Classification Process June 2021. Collection method: clinical testing. Allele origin: germline. Affected: yes.
Comment: Reported in association with LQTS (Koponen et al., 2018); Not observed at a significant frequency in large population cohorts (Lek et al., 2016); In silico analysis, which includes protein predictors and evolutionary conservation, supports that this variant does not alter protein structure/function; This variant is associated with the following publications: (PMID: 29622001)

Literature cited by the submitters: PubMed 29622001 (cited by Labcorp Genetics (formerly Invitae), Labcorp and Ambry Genetics); PubMed 34002542 (cited by Labcorp Genetics (formerly Invitae), Labcorp and Ambry Genetics); PubMed 31493592 (cited by Ambry Genetics); PubMed 31696929 (cited by Ambry Genetics).